The following is an entry in ClinVar:

ClinVar aggregate classification (germline): Uncertain significance. Review status: criteria provided, multiple submitters, no conflicts (2 of 4 stars). 2 submissions from 2 submitters: Uncertain significance (2). Last evaluated 2025-11-23.

Conditions:
Inborn genetic diseases. Identifiers: MedGen C0950123, MeSH D030342.

gnomAD v4.1: 20 of 1,613,532 alleles (0.0012%); highest among the groups gnomAD compares: South Asian, 0.015%; no homozygotes.

Submissions (2):

Labcorp Genetics (formerly Invitae), Labcorp
Classification: Uncertain significance. Last evaluated: 2025-11-23. Review status: criteria provided, single submitter. Criteria: Invitae Variant Classification Sherloc (09022015). Collection method: clinical testing. Allele origin: germline.
Comment: This sequence change replaces proline, which is neutral and non-polar, with leucine, which is neutral and non-polar, at codon 989 of the ZMIZ1 protein (p.Pro989Leu). This variant is present in population databases (no rsID available, gnomAD 0.0009%). This variant has not been reported in the literature in individuals affected with ZMIZ1-related conditions. ClinVar contains an entry for this variant (Variation ID: 3985185). Invitae Evidence Modeling of protein sequence and biophysical properties (such as structural, functional, and spatial information, amino acid conservation, physicochemical variation, residue mobility, and thermodynamic stability) indicates that this missense variant is not expected to disrupt ZMIZ1 protein function with a negative predictive value of 95%. In summary, the available evidence is currently insufficient to determine the role of this variant in disease. Therefore, it has been classified as a Variant of Uncertain Significance.

Ambry Genetics
Classification: Uncertain significance for Inborn genetic diseases. Last evaluated: 2025-05-23. Review status: criteria provided, single submitter. Criteria: Ambry Variant Classification Scheme 2023. Collection method: clinical testing. Allele origin: germline.

NM_020338.4(ZMIZ1):c.2966C>T (p.Pro989Leu)

Gene: ZMIZ1 (zinc finger MIZ-type containing 1; plus strand). Cytogenetic location: 10q22.3.
Variant type: single nucleotide variant.
Coding change: c.2966C>T on transcript NM_020338.4 (MANE Select); coding-DNA position 2966, C replaced by T.
Protein change: p.Pro989Leu; replaces proline 989 with leucine.
Molecular consequence: missense variant.
Genome position (GRCh38, 1-based): chr10:79,311,054, C>T. VCF-style: chr10-79311054-C-T. GRCh37 (hg19) VCF-style: chr10-81070811-C-T.
Other names: short protein forms P989L.
Identifiers: ClinVar variation 3985185 (VCV003985185.2).
Genomic context (GRCh38, chr10:79,311,054, plus strand): 5'-GCAGCCAGTCAGGGCCTCCATTACATCACAGTGGGGCTCCTCCTCCTCCTCCTTCCCAGC[C>T]TCCCCGGCAGCCGCCACAGGCCGCTCCCAGCAGCCATCCACACAGCGACCTGACCTTTAA-3'
Protein context (NP_065071.1, residues 979-999): SGAPPPPPSQ[Pro989Leu]PRQPPQAAPS